The following is an entry in ClinVar:

ClinVar aggregate classification (germline): Uncertain significance (1 of 4 stars; one submission).

Conditions:
Immunodeficiency. Identifiers: MedGen C0021051, MONDO:0021094, HP:0002721.

Allele frequency attached by ClinVar (database versions not stated): gnomAD exomes below 0.00001.

Submission:

Labcorp Genetics (formerly Invitae), Labcorp
Classification: Uncertain significance for Immunodeficiency. Last evaluated: 2020-08-29. Review status: criteria provided, single submitter. Criteria: Invitae Variant Classification Sherloc (09022015). Collection method: clinical testing. Allele origin: germline.
Comment: In summary, the available evidence is currently insufficient to determine the role of this variant in disease. Therefore, it has been classified as a Variant of Uncertain Significance. Algorithms developed to predict the effect of missense changes on protein structure and function are either unavailable or do not agree on the potential impact of this missense change (SIFT: "Tolerated"; PolyPhen-2: "Probably Damaging"; Align-GVGD: "Class C0"). This variant has not been reported in the literature in individuals with NFAT5-related conditions. This variant is not present in population databases (ExAC no frequency). This sequence change replaces glutamine with arginine at codon 992 of the NFAT5 protein (p.Gln992Arg). The glutamine residue is moderately conserved and there is a small physicochemical difference between glutamine and arginine.

NM_138713.4(NFAT5):c.3257A>G (p.Gln1086Arg)

Gene: NFAT5 (nuclear factor of activated T cells 5; plus strand). Cytogenetic location: 16q22.1.
Variant type: single nucleotide variant.
Coding change: c.3257A>G on transcript NM_138713.4 (MANE Select); coding-DNA position 3257, A replaced by G.
Protein change: p.Gln1086Arg; replaces glutamine 1086 with arginine.
Molecular consequence: missense variant.
Genome position (GRCh38, 1-based): chr16:69,693,082, A>G. VCF-style: chr16-69693082-A-G. GRCh37 (hg19) VCF-style: chr16-69726985-A-G.
Other names: c.3254A>G, p.Gln1085Arg (NM_001113178.3); c.2582A>G, p.Gln861Arg (NM_001367709.1); c.3203A>G, p.Gln1068Arg (NM_006599.4); c.2975A>G, p.Gln992Arg (NM_138714.4, NM_173214.3, NM_173215.3); short protein forms Q1068R, Q1085R, Q1086R, Q861R, Q992R.
Identifiers: ClinVar variation 1000088 (VCV001000088.8), dbSNP rs2037616903, ClinGen allele CA396512616.